The following is an entry in ClinVar:

NM_000038.6(APC):c.7716A>G (p.Ser2572=)

Gene: APC (APC regulator of Wnt signaling pathway; plus strand). Cytogenetic location: 5q22.2.
Variant type: single nucleotide variant.
Coding change: c.7716A>G on transcript NM_000038.6 (MANE Select); coding-DNA position 7716, A replaced by G.
Protein change: p.Ser2572=; no amino-acid change (serine 2572 retained).
Molecular consequence: synonymous variant.
Genome position (GRCh38, 1-based): chr5:112,843,310, A>G. VCF-style: chr5-112843310-A-G. GRCh37 (hg19) VCF-style: chr5-112179007-A-G.
Other names: c.7716A>G, p.Ser2572= (NM_001127510.3, NM_001354895.2); c.7662A>G, p.Ser2554= (NM_001127511.3); c.7770A>G, p.Ser2590= (NM_001354896.2); c.7746A>G, p.Ser2582= (NM_001354897.2); c.7641A>G, p.Ser2547= (NM_001354898.2); c.7632A>G, p.Ser2544= (NM_001354899.2); c.7593A>G, p.Ser2531= (NM_001354900.2); c.7539A>G, p.Ser2513= (NM_001354901.2); and 5 more.
Identifiers: ClinVar variation 482509 (VCV000482509.20), dbSNP rs912565312, ClinGen allele CA125167825.

ClinVar aggregate classification (germline): Benign/Likely benign. Review status: criteria provided, multiple submitters, no conflicts (2 of 4 stars). 5 submissions from 5 submitters: Benign (1); Likely benign (4). Last evaluated 2025-11-14.

Conditions:
Classic or attenuated familial adenomatous polyposis. Identifiers: MedGen CN372698, MONDO:0021057.
Hereditary cancer-predisposing syndrome. Also called: Neoplastic Syndromes, Hereditary; Tumor predisposition; Hereditary Cancer Syndrome; Hereditary neoplastic syndrome. Identifiers: Orphanet 140162, MedGen C0027672, MeSH D009386, MONDO:0015356.
Familial adenomatous polyposis 1 (FAP1). Also called: FAMILIAL ADENOMATOUS POLYPOSIS 1, ATTENUATED; POLYPOSIS, ADENOMATOUS INTESTINAL. Identifiers: MedGen C2713442, MONDO:0021056, OMIM 175100. Disease mechanism: loss of function.

Allele frequency attached by ClinVar (database versions not stated): gnomAD exomes below 0.00001; gnomAD 0.00001; TOPMed 0.00001.
gnomAD v4.1: 2 of 1,613,568 alleles (0.00012%); highest among the groups gnomAD compares: African/African-American, 0.0027%; no homozygotes.

Submissions (5):

Labcorp Genetics (formerly Invitae), Labcorp
Classification: Likely benign for Familial adenomatous polyposis 1. Last evaluated: 2025-11-14. Review status: criteria provided, single submitter. Criteria: Invitae Variant Classification Sherloc (09022015). Collection method: clinical testing. Allele origin: germline.

Myriad Genetics, Inc.
Classification: Benign for Familial adenomatous polyposis 1. Last evaluated: 2024-04-10. Review status: criteria provided, single submitter. Criteria: Myriad Autosomal Dominant, Autosomal Recessive and X-Linked Classification Criteria (2023). Collection method: clinical testing. Allele origin: unknown.
Comment: This variant is considered benign. This variant is a silent/synonymous amino acid change and it is not expected to impact splicing.

All of Us Research Program, National Institutes of Health
Classification: Likely benign for Classic or attenuated familial adenomatous polyposis. Last evaluated: 2023-08-08. Review status: criteria provided, single submitter. Criteria: ACMG Guidelines, 2015. Collection method: clinical testing. Allele origin: germline. Inheritance: Autosomal dominant inheritance. Observed: 1 variant allele, 1 heterozygote.
Comment: This study involves interpretation of variants in research participants for the purpose of population health screening. Participant phenotype was not available at the time of variant classification. Additional details can be found in publication PMID: 35346344, PMCID: PMC8962531

Ambry Genetics
Classification: Likely benign for Hereditary cancer-predisposing syndrome. Last evaluated: 2017-08-23. Review status: criteria provided, single submitter. Criteria: Ambry Variant Classification Scheme 2023. Collection method: clinical testing. Allele origin: germline.

Color Diagnostics, LLC DBA Color Health
Classification: Likely benign for Hereditary cancer-predisposing syndrome. Last evaluated: 2016-10-17. Review status: criteria provided, single submitter. Criteria: ACMG Guidelines, 2015. Collection method: clinical testing. Allele origin: germline.